The following is an entry in ClinVar:

NM_001001957.2(OR2W3):c.535C>A (p.Arg179Ser)

Gene: OR2W3 (olfactory receptor family 2 subfamily W member 3; plus strand). Cytogenetic location: 1q44.
Variant type: single nucleotide variant.
Coding change: c.535C>A on transcript NM_001001957.2 (MANE Select); coding-DNA position 535, C replaced by A.
Protein change: p.Arg179Ser; replaces arginine 179 with serine.
Molecular consequence: missense variant.
Genome position (GRCh38, 1-based): chr1:247,896,121, C>A. VCF-style: chr1-247896121-C-A. GRCh37 (hg19) VCF-style: chr1-248059423-C-A.
Other names: short protein forms R179S.
Identifiers: ClinVar variation 2024086 (VCV002024086.4), dbSNP rs10888267, ClinGen allele CA345594000.
Genomic context (GRCh38, chr1:247,896,121, plus strand): 5'-ATGTCTCCTGTGACCCTGCGCTTACCCCGCTGTGGGCACCACGAGGTGGACCACTTCCTG[C>A]GTGAGATGCCCGCCCTGATCCGGATGGCCTGCGTCAGCACTGTGGCCATCGAAGGCACCG-3'
Protein context (NP_001001957.2, residues 169-189): CGHHEVDHFL[Arg179Ser]EMPALIRMAC

ClinVar aggregate classification (germline): Uncertain significance (1 of 4 stars; one submission).

Submission:

Labcorp Genetics (formerly Invitae), Labcorp
Classification: Uncertain significance. Last evaluated: 2022-08-22. Review status: criteria provided, single submitter. Criteria: Invitae Variant Classification Sherloc (09022015). Collection method: clinical testing. Allele origin: germline.
Comment: In summary, the available evidence is currently insufficient to determine the role of this variant in disease. Therefore, it has been classified as a Variant of Uncertain Significance. Algorithms developed to predict the effect of missense changes on protein structure and function (SIFT, PolyPhen-2, Align-GVGD) all suggest that this variant is likely to be tolerated. This variant has not been reported in the literature in individuals affected with OR2W3-related conditions. This variant is not present in population databases (gnomAD no frequency). This sequence change replaces arginine, which is basic and polar, with serine, which is neutral and polar, at codon 179 of the OR2W3 protein (p.Arg179Ser).